The following is an entry in ClinVar:

NM_006245.4(PPP2R5D):c.72G>A (p.Ser24=)

Gene: PPP2R5D (protein phosphatase 2 regulatory subunit B'delta; plus strand). Cytogenetic location: 6p21.1.
Variant type: single nucleotide variant.
Coding change: c.72G>A on transcript NM_006245.4 (MANE Select); coding-DNA position 72, G replaced by A.
Protein change: p.Ser24=; no amino-acid change (serine 24 retained).
Molecular consequence: synonymous variant. On other transcripts: 5 prime UTR variant (1), intron variant (1).
Genome position (GRCh38, 1-based): chr6:42,989,655, G>A. VCF-style: chr6-42989655-G-A. GRCh37 (hg19) VCF-style: chr6-42957393-G-A.
Other names: c.-399G>A (NM_001270476.2); c.72G>A, p.Ser24= (NM_180976.3); c.27+4951G>A (NM_180977.3).
Identifiers: ClinVar variation 1193300 (VCV001193300.14), dbSNP rs148177015, ClinGen allele CA3811725.
Genomic context (GRCh38, chr6:42,989,655, plus strand): 5'-CATCTTTTCCTTTCAGGAGCCCCCCAAGGTTGCCAAATGCACAGCCAAGCCTAGCAGCTC[G>A]GGCAAGGATGGTGGAGGCGAGAACACTGAGGAGGTAATGAATGTAGGCGTAGCCTTAGAT-3'
Protein context (NP_006236.1, residues 14-34): VAKCTAKPSS[Ser24=]GKDGGGENTE

ClinVar aggregate classification (germline): Likely benign. Review status: criteria provided, multiple submitters, no conflicts (2 of 4 stars). 3 submissions from 3 submitters: Likely benign (3). Last evaluated 2026-02-01.

Allele frequency attached by ClinVar (database versions not stated): gnomAD 0.00002 and 0.00003; TOPMed 0.00003; ExAC 0.00004; gnomAD exomes 0.00006; ESP Exome Variant Server 0.00008; 1000 Genomes Project 30x 0.00016; 1000 Genomes Project 0.00020.
gnomAD v4.1: 48 of 1,613,952 alleles (0.003%); highest among the groups gnomAD compares: Admixed American, 0.013%; no homozygotes.

Submissions (3):

CeGaT Center for Human Genetics Tuebingen
Classification: Likely benign. Last evaluated: 2026-02-01. Review status: criteria provided, single submitter. Criteria: CeGaT Center For Human Genetics Tuebingen Variant Classification Criteria Version 2. Collection method: clinical testing. Allele origin: germline. Affected: yes. Observed: 1 variant allele.
Comment: PPP2R5D: BP4, BP7

Labcorp Genetics (formerly Invitae), Labcorp
Classification: Likely benign. Last evaluated: 2025-08-18. Review status: criteria provided, single submitter. Criteria: Invitae Variant Classification Sherloc (09022015). Collection method: clinical testing. Allele origin: germline.

GeneDx
Classification: Likely benign. Last evaluated: 2020-12-23. Review status: criteria provided, single submitter. Criteria: GeneDx Variant Classification Process June 2021. Collection method: clinical testing. Allele origin: germline. Affected: yes.